The following is an entry in ClinVar:

ClinVar aggregate classification (germline): Uncertain significance. Review status: criteria provided, multiple submitters, no conflicts (2 of 4 stars). 2 submissions from 2 submitters: Uncertain significance (2). Last evaluated 2024-09-22.

Conditions:
PRPH2-related disorder. Also called: PRPH2-related condition; PRPH2-related disorders. Identifiers: MedGen CN239395.

gnomAD v4.1: 4 of 1,613,510 alleles (0.00025%); highest among the groups gnomAD compares: Non-Finnish European, 0.00034%; no homozygotes.

Submissions (2):

Labcorp Genetics (formerly Invitae), Labcorp
Classification: Uncertain significance for PRPH2-related disorder. Last evaluated: 2024-09-22. Review status: criteria provided, single submitter. Criteria: Invitae Variant Classification Sherloc (09022015). Collection method: clinical testing. Allele origin: germline.
Comment: This sequence change replaces alanine, which is neutral and non-polar, with glutamic acid, which is acidic and polar, at codon 2 of the PRPH2 protein (p.Ala2Glu). This variant is present in population databases (no rsID available, gnomAD 0.003%). This variant has not been reported in the literature in individuals affected with PRPH2-related conditions. Invitae Evidence Modeling of protein sequence and biophysical properties (such as structural, functional, and spatial information, amino acid conservation, physicochemical variation, residue mobility, and thermodynamic stability) has been performed for this missense variant. However, the output from this modeling did not meet the statistical confidence thresholds required to predict the impact of this variant on PRPH2 protein function. In summary, the available evidence is currently insufficient to determine the role of this variant in disease. Therefore, it has been classified as a Variant of Uncertain Significance.

Blueprint Genetics
Classification: Uncertain significance. Last evaluated: 2022-06-14. Review status: criteria provided, single submitter. Criteria: ACMG Guidelines, 2015. Collection method: clinical testing. Allele origin: germline.

NM_000322.5(PRPH2):c.5C>A (p.Ala2Glu)

Gene: PRPH2 (peripherin 2; minus strand). Cytogenetic location: 6p21.1.
Variant type: single nucleotide variant.
Coding change: c.5C>A on transcript NM_000322.5 (MANE Select); coding-DNA position 5, C replaced by A.
Protein change: p.Ala2Glu; replaces alanine 2 with glutamic acid.
Molecular consequence: missense variant.
Genome position (GRCh38, 1-based): chr6:42,722,330, G>T on the plus strand (C>A on the coding strand, the complement: PRPH2 is on the minus strand). VCF-style: chr6-42722330-G-T. GRCh37 (hg19) VCF-style: chr6-42690068-G-T.
Other names: short protein forms A2E.
Identifiers: ClinVar variation 3667703 (VCV003667703.3).